The following is an entry in ClinVar:

NM_020928.2(ZSWIM6):c.1158G>A (p.Lys386=)

Gene: ZSWIM6 (zinc finger SWIM-type containing 6; plus strand). Cytogenetic location: 5q12.1.
Variant type: single nucleotide variant.
Coding change: c.1158G>A on transcript NM_020928.2 (MANE Select); coding-DNA position 1158, G replaced by A.
Protein change: p.Lys386=; no amino-acid change (lysine 386 retained).
Molecular consequence: synonymous variant.
Genome position (GRCh38, 1-based): chr5:61,490,910, G>A. VCF-style: chr5-61490910-G-A. GRCh37 (hg19) VCF-style: chr5-60786737-G-A.
Identifiers: ClinVar variation 2655482 (VCV002655482.24), dbSNP rs2479060381, ClinGen allele CA444554709.

ClinVar aggregate classification (germline): Likely benign (1 of 4 stars; one submission).

Allele frequency attached by ClinVar (database versions not stated): gnomAD exomes below 0.00001.
gnomAD v4.1: 2 of 1,536,486 alleles (0.00013%); highest among the groups gnomAD compares: Non-Finnish European, 0.000088%; no homozygotes.

Submission:

CeGaT Center for Human Genetics Tuebingen
Classification: Likely benign. Last evaluated: 2022-10-01. Review status: criteria provided, single submitter. Criteria: CeGaT Center For Human Genetics Tuebingen Variant Classification Criteria Version 2. Collection method: clinical testing. Allele origin: germline. Affected: yes. Observed: 1 variant allele.
Comment: ZSWIM6: PM2:Supporting, BP4, BP7